The following is an entry in ClinVar:

NM_018685.5(ANLN):c.194_195delinsGA (p.Ser65Ter)

Gene: ANLN (anillin, actin binding protein; plus strand). Cytogenetic location: 7p14.2.
Variant type: Indel.
Coding change: c.194_195delinsGA on transcript NM_018685.5 (MANE Select); coding-DNA positions 194 to 195, CG replaced by GA.
Protein change: p.Ser65Ter; replaces serine 65 with a stop codon.
Molecular consequence: nonsense.
Genome position (GRCh38, 1-based): chr7:36,399,100-36,399,101, CG replaced by GA. VCF-style: chr7-36399100-CG-GA. GRCh37 (hg19) VCF-style: chr7-36438709-CG-GA.
Other names: c.194_195delinsGA, p.Ser65Ter (NM_001284301.3, NM_001284302.3); short protein forms S65*.
Identifiers: ClinVar variation 3670031 (VCV003670031.2).

ClinVar aggregate classification (germline): Uncertain significance (1 of 4 stars; one submission).

Submission:

Labcorp Genetics (formerly Invitae), Labcorp
Classification: Uncertain significance. Last evaluated: 2024-09-18. Review status: criteria provided, single submitter. Criteria: Invitae Variant Classification Sherloc (09022015). Collection method: clinical testing. Allele origin: germline.
Comment: This sequence change creates a premature translational stop signal (p.Ser65*) in the ANLN gene. It is expected to result in an absent or disrupted protein product. However, the current clinical and genetic evidence is not sufficient to establish whether loss-of-function variants in ANLN cause disease. Information on the frequency of this variant in the gnomAD database is not available, as this variant may be reported differently in the database. This variant has not been reported in the literature in individuals affected with ANLN-related conditions. In summary, the available evidence is currently insufficient to determine the role of this variant in disease. Therefore, it has been classified as a Variant of Uncertain Significance.